The following is an entry in ClinVar:

NM_030665.4(RAI1):c.1926G>A (p.Ser642=)

Gene: RAI1 (retinoic acid induced 1; plus strand). Cytogenetic location: 17p11.2.
Variant type: single nucleotide variant.
Coding change: c.1926G>A on transcript NM_030665.4 (MANE Select); coding-DNA position 1926, G replaced by A.
Protein change: p.Ser642=; no amino-acid change (serine 642 retained).
Molecular consequence: synonymous variant.
Genome position (GRCh38, 1-based): chr17:17,794,874, G>A. VCF-style: chr17-17794874-G-A. GRCh37 (hg19) VCF-style: chr17-17698188-G-A.
Identifiers: ClinVar variation 588434 (VCV000588434.14), dbSNP rs147762019, ClinGen allele CA8418425.
Genomic context (GRCh38, chr17:17,794,874, plus strand): 5'-CGACAAAGCTTGGGCTGAAGCACCCAGCCTGGTCAAGGACAGCAGCAAGCCACCCTTCTC[G>A]CTGGAGAACCACAGCGCCTGCCTGGACTCTGTGGCCAAGAGTGCGTGGCCCCGGCCTGGG-3'
Protein context (NP_109590.3, residues 632-652): LVKDSSKPPF[Ser642=]LENHSACLDS

ClinVar aggregate classification (germline): Likely benign. Review status: criteria provided, multiple submitters, no conflicts (2 of 4 stars). 3 submissions from 3 submitters: Likely benign (3). Last evaluated 2025-04-13.

Conditions:
Inborn genetic diseases. Identifiers: MedGen C0950123, MeSH D030342.
RAI1-related disorder. Also called: RAI1-related condition.

Allele frequency attached by ClinVar (database versions not stated): gnomAD 0.00001; TOPMed 0.00002; gnomAD exomes 0.00004; ExAC 0.00005; ESP Exome Variant Server 0.00015.
gnomAD v4.1: 76 of 1,613,180 alleles (0.0047%); highest among the groups gnomAD compares: Middle Eastern, 0.016%; no homozygotes.

Submissions (3):

Labcorp Genetics (formerly Invitae), Labcorp
Classification: Likely benign. Last evaluated: 2025-04-13. Review status: criteria provided, single submitter. Criteria: Invitae Variant Classification Sherloc (09022015). Collection method: clinical testing. Allele origin: germline.

PreventionGenetics, part of Exact Sciences
Classification: Likely benign for RAI1-related condition. Last evaluated: 2024-12-13. Review status: criteria provided, single submitter. Criteria: ACMG Guidelines, 2015. Collection method: clinical testing. Allele origin: germline.
Comment: This variant is classified as likely benign based on ACMG/AMP sequence variant interpretation guidelines (Richards et al. 2015 PMID: 25741868, with internal and published modifications).

Ambry Genetics
Classification: Likely benign for Inborn genetic diseases. Last evaluated: 2016-11-16. Review status: criteria provided, single submitter. Criteria: Ambry Variant Classification Scheme 2023. Collection method: clinical testing. Allele origin: germline.